The following is an entry in ClinVar:

NM_001868.4(CPA1):c.1175C>A (p.Pro392Gln)

Gene: CPA1 (carboxypeptidase A1; plus strand). Cytogenetic location: 7q32.2.
Variant type: single nucleotide variant.
Coding change: c.1175C>A on transcript NM_001868.4 (MANE Select); coding-DNA position 1175, C replaced by A.
Protein change: p.Pro392Gln; replaces proline 392 with glutamine.
Molecular consequence: missense variant.
Genome position (GRCh38, 1-based): chr7:130,387,926, C>A. VCF-style: chr7-130387926-C-A. GRCh37 (hg19) VCF-style: chr7-130027767-C-A.
Other names: short protein forms P392Q.
Identifiers: ClinVar variation 4006064 (VCV004006064.1).

ClinVar aggregate classification (germline): Uncertain significance (1 of 4 stars; one submission).

Conditions:
Hereditary pancreatitis (PCTT). Also called: Hereditary chronic pancreatitis; PRSS1-Related Hereditary Pancreatitis. Identifiers: Orphanet 676, MedGen C0238339, MONDO:0008185, OMIM 167800.

gnomAD v4.1: 1 of 1,614,184 alleles (0.000062%); highest among the groups gnomAD compares: Non-Finnish European, 0.000085%; no homozygotes.

Submission:

Ambry Genetics
Classification: Uncertain significance for Hereditary pancreatitis. Last evaluated: 2025-06-02. Review status: criteria provided, single submitter. Criteria: Ambry Variant Classification Scheme 2023. Collection method: clinical testing. Allele origin: germline.
Comment: The p.P392Q variant (also known as c.1175C>A), located in coding exon 10 of the CPA1 gene, results from a C to A substitution at nucleotide position 1175. The proline at codon 392 is replaced by glutamine, an amino acid with similar properties. This amino acid position is conserved. In addition, this alteration is predicted to be deleterious by in silico analysis. Based on the available evidence, the clinical significance of this variant remains unclear.